The following is an entry in ClinVar:

ClinVar aggregate classification (germline): Pathogenic/Likely pathogenic. Review status: criteria provided, multiple submitters, no conflicts (2 of 4 stars). 4 submissions from 4 submitters: Pathogenic (3); Likely pathogenic (1). Last evaluated 2023-06-01.

Conditions:
Wilson disease (WND). Also called: Wilson's disease. Identifiers: Orphanet 905, MedGen C0019202, MONDO:0010200, OMIM 277900. Disease mechanism: loss of function.

Submissions (4):

Labcorp Genetics (formerly Invitae), Labcorp
Classification: Pathogenic for Wilson disease. Last evaluated: 2023-06-01. Review status: criteria provided, single submitter. Criteria: Invitae Variant Classification Sherloc (09022015). Collection method: clinical testing. Allele origin: germline.
Comment: This sequence change creates a premature translational stop signal (p.Cys358Serfs*5) in the ATP7B gene. It is expected to result in an absent or disrupted protein product. Loss-of-function variants in ATP7B are known to be pathogenic (PMID: 10441329, 16283883). This variant is not present in population databases (gnomAD no frequency). This premature translational stop signal has been observed in individual(s) with Wilson disease (PMID: 18373411). ClinVar contains an entry for this variant (Variation ID: 917587). For these reasons, this variant has been classified as Pathogenic.

Department of Human Genetics, Hannover Medical School
Classification: Likely pathogenic for Wilson disease. Last evaluated: 2022-01-31. Review status: criteria provided, single submitter. Criteria: ACMG Guidelines, 2015. Collection method: clinical testing. Allele origin: germline. Inheritance: Autosomal recessive inheritance. Affected: yes.

Genome-Nilou Lab
Classification: Pathogenic for Wilson disease. Last evaluated: 2021-08-10. Review status: criteria provided, single submitter. Criteria: ACMG Guidelines, 2015. Collection method: clinical testing. Allele origin: germline. Affected: no.

Women's Health and Genetics/Laboratory Corporation of America, LabCorp
Classification: Pathogenic for Wilson disease. Last evaluated: 2020-01-27. Review status: criteria provided, single submitter. Criteria: LabCorp Variant Classification Summary - May 2015. Collection method: clinical testing. Allele origin: germline.
Comment: Variant summary: ATP7B c.1073delG (p.Cys358SerfsX5) results in a premature termination codon, predicted to cause a truncation of the encoded protein or absence of the protein due to nonsense mediated decay, which are commonly known mechanisms for disease. Truncations downstream of this position have been classified as pathogenic by our laboratory. The variant was absent in 249472 control chromosomes. c.1073delG has been reported in the literature in at-least one individual affected with Wilson Disease (Davies_2008) and subsequently cited by others (example, Lin_2010, and Liu_2018). To our knowledge, no experimental evidence demonstrating an impact on protein function has been reported. No clinical diagnostic laboratories have submitted clinical-significance assessments for this variant to ClinVar after 2014. Based on the evidence outlined above, the variant was classified as pathogenic.

Literature cited by the submitters: PubMed 10441329 (cited by Labcorp Genetics (formerly Invitae), Labcorp); PubMed 16283883 (cited by Labcorp Genetics (formerly Invitae), Labcorp); PubMed 18373411 (cited by Labcorp Genetics (formerly Invitae), Labcorp and Women's Health and Genetics/Laboratory Corporation of America, LabCorp); PubMed 20465995 (cited by Women's Health and Genetics/Laboratory Corporation of America, LabCorp); PubMed 29649982 (cited by Women's Health and Genetics/Laboratory Corporation of America, LabCorp).

NM_000053.4(ATP7B):c.1073del (p.Cys358fs)

Gene: ATP7B (ATPase copper transporting beta; minus strand). Cytogenetic location: 13q14.3.
Variant type: Deletion.
Coding change: c.1073del on transcript NM_000053.4 (MANE Select); coding-DNA position 1073, one base deleted (G; older notation c.1073delG).
Protein change: p.Cys358fs; shifts the reading frame from cysteine 358.
Molecular consequence: frameshift variant. On other transcripts: intron variant (1).
Genome position (GRCh38, 1-based): chr13:51,974,147, C deleted on the plus strand (G on the coding strand, the reverse complement: ATP7B is on the minus strand). VCF-style (leftmost placement, unchanged base first): chr13-51974146-GC-G. GRCh37 (hg19) VCF-style: chr13-52548282-GC-G.
Other names: c.1073del, p.Cys358fs (NM_001005918.3, NM_001330578.2, NM_001330579.2); c.803-63del (NM_001243182.2); short protein forms C358fs.
Identifiers: ClinVar variation 917587 (VCV000917587.7), dbSNP rs1951985366, ClinGen allele CA1139663321.